The following is an entry in ClinVar:

NM_182760.4(SUMF1):c.271-1del

Gene: SUMF1 (sulfatase modifying factor 1; minus strand). Cytogenetic location: 3p26.1.
Variant type: Deletion.
Coding change: c.271-1del on transcript NM_182760.4 (MANE Select); the canonical splice acceptor site of the intron before coding-DNA position 271, one base deleted (G; older notation c.271-1delG).
Molecular consequence: splice acceptor variant.
Genome position (GRCh38, 1-based): chr3:4,453,050, C deleted on the plus strand (G on the coding strand, the reverse complement: SUMF1 is on the minus strand). VCF-style (leftmost placement, unchanged base first): chr3-4453049-TC-T. GRCh37 (hg19) VCF-style: chr3-4494733-TC-T.
Other names: c.271-1del (NM_001164674.2, NM_001164675.2).
Identifiers: ClinVar variation 2025065 (VCV002025065.4), dbSNP rs2470007725, ClinGen allele CA2580069151.

ClinVar aggregate classification (germline): Likely pathogenic (1 of 4 stars; one submission).

Conditions:
Multiple sulfatase deficiency (MSD). Also called: Mucosulfatidosis; Multiple Sulfatase Deficiency Disease; Sulfatidosis, Juvenile, Austin Type. Identifiers: Orphanet 585, MedGen C0268263, MONDO:0010088, OMIM 272200.

Submission:

Labcorp Genetics (formerly Invitae), Labcorp
Classification: Likely pathogenic for Multiple sulfatase deficiency. Last evaluated: 2022-08-20. Review status: criteria provided, single submitter. Criteria: Invitae Variant Classification Sherloc (09022015). Collection method: clinical testing. Allele origin: germline.
Comment: This sequence change affects a splice site in intron 1 of the SUMF1 gene. It is expected to disrupt RNA splicing. Variants that disrupt the donor or acceptor splice site typically lead to a loss of protein function (PMID: 16199547), and loss-of-function variants in SUMF1 are known to be pathogenic (PMID: 12757705, 12757706, 25885655). In summary, the currently available evidence indicates that the variant is pathogenic, but additional data are needed to prove that conclusively. Therefore, this variant has been classified as Likely Pathogenic. Algorithms developed to predict the effect of sequence changes on RNA splicing suggest that this variant may disrupt the consensus splice site. This variant has not been reported in the literature in individuals affected with SUMF1-related conditions. This variant is not present in population databases (gnomAD no frequency).

Literature cited by the submitters: PubMed 16199547; PubMed 12757705; PubMed 12757706; PubMed 25885655.